The following is an entry in ClinVar:

NC_000009.11:g.(?_101585528)_(101602425_?)dup

Gene: GALNT12 (polypeptide N-acetylgalactosaminyltransferase 12; plus strand). Cytogenetic location: 9q22.33.
Variant type: Duplication.
Identifiers: ClinVar variation 2426848 (VCV002426848.4).

ClinVar aggregate classification (germline): Uncertain significance (1 of 4 stars; one submission).

Submission:

Labcorp Genetics (formerly Invitae), Labcorp
Classification: Uncertain significance. Last evaluated: 2022-05-09. Review status: criteria provided, single submitter. Criteria: Invitae Variant Classification Sherloc (09022015). Collection method: clinical testing. Allele origin: germline.
Comment: This variant results in a copy number gain of the genomic region encompassing exon(s) 2-7 of the GALNT12 gene. While the exact position of this variant cannot be determined from the data, sub-genic copy number gains are generally in tandem (PMID: 25640679). This variant is predicted to be out-of-frame, and may result in an absent or disrupted protein product. However, the current clinical and genetic evidence is not sufficient to establish whether loss-of-function variants in GALNT12 cause disease. This variant has not been reported in the literature in individuals affected with GALNT12-related conditions. In summary, the available evidence is currently insufficient to determine the role of this variant in disease. Therefore, it has been classified as a Variant of Uncertain Significance.

Literature cited by the submitters: PubMed 25640679.